The following is an entry in ClinVar:

ClinVar aggregate classification (germline): Uncertain significance (1 of 4 stars; one submission).

Conditions:
Chédiak-Higashi syndrome (CHS). Also called: Chediak-Higashi Syndrome. Identifiers: Orphanet 167, MedGen C0007965, MONDO:0008963, OMIM 214500.

Allele frequency attached by ClinVar (database versions not stated): gnomAD exomes below 0.00001; TOPMed below 0.00001.
gnomAD v4.1: 3 of 1,614,224 alleles (0.00019%); highest among the groups gnomAD compares: Non-Finnish European, 0.00025%; no homozygotes.

Submission:

Labcorp Genetics (formerly Invitae), Labcorp
Classification: Uncertain significance for Chédiak-Higashi syndrome. Last evaluated: 2024-02-12. Review status: criteria provided, single submitter. Criteria: Invitae Variant Classification Sherloc (09022015). Collection method: clinical testing. Allele origin: germline.
Comment: This sequence change replaces arginine, which is basic and polar, with isoleucine, which is neutral and non-polar, at codon 3492 of the LYST protein (p.Arg3492Ile). This variant is not present in population databases (gnomAD no frequency). This variant has not been reported in the literature in individuals affected with LYST-related conditions. ClinVar contains an entry for this variant (Variation ID: 1434857). Advanced modeling of protein sequence and biophysical properties (such as structural, functional, and spatial information, amino acid conservation, physicochemical variation, residue mobility, and thermodynamic stability) has been performed at Invitae for this missense variant, however the output from this modeling did not meet the statistical confidence thresholds required to predict the impact of this variant on LYST protein function. In summary, the available evidence is currently insufficient to determine the role of this variant in disease. Therefore, it has been classified as a Variant of Uncertain Significance.

NM_000081.4(LYST):c.10475G>T (p.Arg3492Ile)

Gene: LYST (lysosomal trafficking regulator; minus strand). Cytogenetic location: 1q42.3.
Variant type: single nucleotide variant.
Coding change: c.10475G>T on transcript NM_000081.4 (MANE Select); coding-DNA position 10475, G replaced by T.
Protein change: p.Arg3492Ile; replaces arginine 3492 with isoleucine.
Molecular consequence: missense variant.
Genome position (GRCh38, 1-based): chr1:235,697,172, C>A on the plus strand (G>T on the coding strand, the complement: LYST is on the minus strand). VCF-style: chr1-235697172-C-A. GRCh37 (hg19) VCF-style: chr1-235860472-C-A.
Other names: c.10475G>T, p.Arg3492Ile (NM_001301365.1); short protein forms R3492I.
Identifiers: ClinVar variation 1434857 (VCV001434857.5), dbSNP rs1661180329, ClinGen allele CA344929056.